The following is an entry in ClinVar:

NC_000001.10:g.(?_2985824)_(3350375_?)dup

Gene: PRDM16 (PR/SET domain 16; plus strand). Cytogenetic location: 1p36.32.
Variant type: Duplication.
Identifiers: ClinVar variation 2426721 (VCV002426721.3).

ClinVar aggregate classification (germline): Uncertain significance (1 of 4 stars; one submission).

Conditions:
Left ventricular noncompaction 8 (LVNC8). Identifiers: Orphanet 154, Orphanet 54260, MedGen C3809288, MONDO:0014152, OMIM 615373.

Submission:

Labcorp Genetics (formerly Invitae), Labcorp
Classification: Uncertain significance for Left ventricular noncompaction 8. Last evaluated: 2022-02-02. Review status: criteria provided, single submitter. Criteria: Invitae Variant Classification Sherloc (09022015). Collection method: clinical testing. Allele origin: germline.
Comment: A copy number gain of the genomic region encompassing the full coding sequence of the PRDM16 gene has been identified. The boundaries of this event are unknown as they extend beyond the assayed region for this gene and therefore may encompass additional genes. As the precise location of this event is unknown, it may be in tandem or it may be located elsewhere in the genome. This variant has not been reported in the literature in individuals affected with PRDM16-related conditions. In summary, the available evidence is currently insufficient to determine the role of this variant in disease. Therefore, it has been classified as a Variant of Uncertain Significance.